The following is an entry in ClinVar:

NM_024496.4(IRF2BPL):c.411T>G (p.Pro137=)

Gene: IRF2BPL (interferon regulatory factor 2 binding protein like; minus strand). Cytogenetic location: 14q24.3.
Variant type: single nucleotide variant.
Coding change: c.411T>G on transcript NM_024496.4 (MANE Select); coding-DNA position 411, T replaced by G.
Protein change: p.Pro137=; no amino-acid change (proline 137 retained).
Molecular consequence: synonymous variant.
Genome position (GRCh38, 1-based): chr14:77,027,382, A>C on the plus strand (T>G on the coding strand, the complement: IRF2BPL is on the minus strand). VCF-style: chr14-77027382-A-C. GRCh37 (hg19) VCF-style: chr14-77493725-A-C.
Identifiers: ClinVar variation 2644405 (VCV002644405.24), dbSNP rs2503078380, ClinGen allele CA487508332.

ClinVar aggregate classification (germline): Likely benign (1 of 4 stars; one submission).

Allele frequency attached by ClinVar (database versions not stated): gnomAD exomes below 0.00001.
gnomAD v4.1: 6 of 1,489,228 alleles (0.0004%); highest among the groups gnomAD compares: South Asian, 0.0063%; no homozygotes.

Submission:

CeGaT Center for Human Genetics Tuebingen
Classification: Likely benign. Last evaluated: 2022-12-01. Review status: criteria provided, single submitter. Criteria: CeGaT Center For Human Genetics Tuebingen Variant Classification Criteria Version 2. Collection method: clinical testing. Allele origin: germline. Affected: yes. Observed: 1 variant allele.
Comment: IRF2BPL: PM2:Supporting, BP4, BP7